The following is an entry in ClinVar:

NM_013314.4(BLNK):c.775-3T>C

Gene: BLNK (B cell linker; minus strand). Cytogenetic location: 10q24.1.
Variant type: single nucleotide variant.
Coding change: c.775-3T>C on transcript NM_013314.4 (MANE Select); 3 bases into the intron before coding-DNA position 775, T replaced by C.
Molecular consequence: intron variant.
Genome position (GRCh38, 1-based): chr10:96,207,056, A>G on the plus strand (T>C on the coding strand, the complement: BLNK is on the minus strand). VCF-style: chr10-96207056-A-G. GRCh37 (hg19) VCF-style: chr10-97966812-A-G.
Other names: c.706-3T>C (NM_001258441.2, NM_001114094.2); c.775-3T>C (NM_001258440.2); c.460-3T>C (NM_001258442.2).
Identifiers: ClinVar variation 2018898 (VCV002018898.4), dbSNP rs2083831889, ClinGen allele CA1929861691.
Genomic context (GRCh38, chr10:96,207,056, plus strand): 5'-AATAATAGATTTTACCTTCACAAACACTTGAAGCATTCTGTTGAGAGGCAACTGGAGTCT[A>G]TGTAAAAGAAAAAAAGGCAAGGTTATTCAATATAGCAGAATGTGGAAATAAATGTCAGAG-3'

ClinVar aggregate classification (germline): Uncertain significance (1 of 4 stars; one submission).

Conditions:
Agammaglobulinemia 4, autosomal recessive (AGM4). Also called: AGAMMAGLOBULINEMIA, AUTOSOMAL RECESSIVE, DUE TO BLNK DEFECT; B cell linker protein deficiency. Identifiers: MedGen C3150752, MONDO:0013289, OMIM 613502.

Submission:

Labcorp Genetics (formerly Invitae), Labcorp
Classification: Uncertain significance for Agammaglobulinemia 4, autosomal recessive. Last evaluated: 2025-10-22. Review status: criteria provided, single submitter. Criteria: Invitae Variant Classification Sherloc (09022015). Collection method: clinical testing. Allele origin: germline.
Comment: This sequence change falls in intron 10 of the BLNK gene. It does not directly change the encoded amino acid sequence of the BLNK protein. It affects a nucleotide within the consensus splice site. This variant is not present in population databases (gnomAD no frequency). This variant has not been reported in the literature in individuals affected with BLNK-related conditions. ClinVar contains an entry for this variant (Variation ID: 2018898). Variants that disrupt the consensus splice site are a relatively common cause of aberrant splicing (PMID: 17576681, 9536098). Algorithms developed to predict the effect of sequence changes on RNA splicing suggest that this variant is not likely to affect RNA splicing. In summary, the available evidence is currently insufficient to determine the role of this variant in disease. Therefore, it has been classified as a Variant of Uncertain Significance.

Literature cited by the submitters: PubMed 17576681; PubMed 9536098.